The following is an entry in ClinVar:

ClinVar aggregate classification (germline): Pathogenic/Likely pathogenic. Review status: criteria provided, multiple submitters, no conflicts (2 of 4 stars). 5 submissions from 4 submitters: Pathogenic (1); Likely pathogenic (4). Last evaluated 2025-05-25.

Conditions:
Dyskeratosis congenita, autosomal recessive 5 (DKCB5). Identifiers: MedGen C3554656, MONDO:0014076, OMIM 615190.
Pulmonary fibrosis and/or bone marrow failure, Telomere-related, 3. Also called: PULMONARY FIBROSIS AND/OR BONE MARROW FAILURE SYNDROME, TELOMERE-RELATED, 3. Identifiers: Orphanet 2032, MedGen C4225346, MONDO:0014613, OMIM 616373.
Dyskeratosis congenita. Identifiers: Orphanet 1775, MedGen C0265965, MONDO:0015780.
RTEL1-related disorder. Also called: RTEL1-related condition; RTEL1-related disorders.

Submissions (5):

Labcorp Genetics (formerly Invitae), Labcorp
Classification: Pathogenic for Dyskeratosis congenita, autosomal recessive 5; Pulmonary fibrosis and/or bone marrow failure, Telomere-related, 3. Last evaluated: 2025-05-25. Review status: criteria provided, single submitter. Criteria: Invitae Variant Classification Sherloc (09022015). Collection method: clinical testing. Allele origin: germline.
Comment: This sequence change is expected to alter the c-terminus of the RTEL1 protein (p.Gln1187Glyfs*176). While this is not anticipated to result in nonsense mediated decay, it is expected to disrupt the last 114 amino acid(s) of the RTEL1 protein and extend the protein by 61 additional amino acid residues. This variant is not present in population databases (gnomAD no frequency). This frameshift has been observed in individual(s) with pulmonary fibrosis (PMID: 30523160). ClinVar contains an entry for this variant (Variation ID: 2169622). This variant disrupts a region of the RTEL1 protein in which other variant(s) (p.Arg1264) have been determined to be pathogenic (PMID: 23453664, 24009516, 25047097, 25099625, 25620558, 26025130). This suggests that this is a clinically significant region of the protein, and that variants that disrupt it are likely to be disease-causing. For these reasons, this variant has been classified as Pathogenic.

Natera, Inc.
Classification: Likely pathogenic for Dyskeratosis congenita. Last evaluated: 2024-07-25. Review status: criteria provided, single submitter. Criteria: Natera Variant Classification Schema (03/2026). Collection method: clinical testing. Allele origin: germline.
Comment: The c.3631_3634delCAGA variant in RTEL1 is a frameshift variant predicted to elongate the protein beyond the termination codon. This variant is expected to result in nonsense mediated decay, truncation, or a dysfunctional protein product. This variant is rare in the general population with a frequency below the threshold expected for the associated phenotype(s). Given the available evidence, this variant is classified as Likely Pathogenic.

Baylor Genetics
Classification: Likely pathogenic for Pulmonary fibrosis and/or bone marrow failure, Telomere-related, 3. Last evaluated: 2024-01-13. Review status: criteria provided, single submitter. Criteria: ACMG Guidelines, 2015. Collection method: clinical testing. Allele origin: unknown.

Baylor Genetics
Classification: Likely pathogenic for Dyskeratosis congenita, autosomal recessive 5. Last evaluated: 2023-12-04. Review status: criteria provided, single submitter. Criteria: ACMG Guidelines, 2015. Collection method: clinical testing. Allele origin: unknown.

Blueprint Genetics
Classification: Likely pathogenic for RTEL1-related disorders. Last evaluated: 2019-04-09. Review status: criteria provided, single submitter. Criteria: ACMG Guidelines, 2015. Collection method: clinical testing. Allele origin: germline. Affected: yes. Observed: 1 variant allele.

Literature cited by the submitters: PubMed 30523160 (cited by Labcorp Genetics (formerly Invitae), Labcorp); PubMed 23453664 (cited by Labcorp Genetics (formerly Invitae), Labcorp); PubMed 24009516 (cited by Labcorp Genetics (formerly Invitae), Labcorp); PubMed 25047097 (cited by Labcorp Genetics (formerly Invitae), Labcorp); PubMed 25099625 (cited by Labcorp Genetics (formerly Invitae), Labcorp); PubMed 25620558 (cited by Labcorp Genetics (formerly Invitae), Labcorp); PubMed 26025130 (cited by Labcorp Genetics (formerly Invitae), Labcorp).

NM_001283009.2(RTEL1):c.3559_3562del (p.Gln1187fs)

Genes: RTEL1 (regulator of telomere elongation helicase 1; plus strand), RTEL1-TNFRSF6B (RTEL1-TNFRSF6B readthrough (NMD candidate); plus strand). Cytogenetic location: 20q13.33.
Variant type: Deletion.
Coding change: c.3559_3562del on transcript NM_001283009.2 (MANE Select); coding-DNA positions 3559 to 3562, 4 bases deleted (CAGA; older notation c.3559_3562delCAGA).
Protein change: p.Gln1187fs; shifts the reading frame from glutamine 1187.
Molecular consequence: frameshift variant. On other transcripts: non-coding transcript variant (1).
Genome position (GRCh38, 1-based): chr20:63,695,387-63,695,390, CAGA deleted; deleting any 4 consecutive bases within chr20:63,695,384-63,695,390 gives the same sequence; the c. name uses the placement nearest the transcript's 3' end. VCF-style (leftmost placement, unchanged base first): chr20-63695383-TAGAC-T. GRCh37 (hg19) VCF-style: chr20-62326736-TAGAC-T.
Other names: c.3631_3634delCAGA (NM_032957.4); c.2890_2893del, p.Gln964fs (NM_001283010.1); c.3559_3562del, p.Gln1187fs (NM_016434.4); c.3631_3634del, p.Gln1211fs (NM_032957.5); short protein forms Q1187fs, Q964fs, Q1211fs.
Identifiers: ClinVar variation 2169622 (VCV002169622.8), dbSNP rs1238498783, ClinGen allele CA746503400.